The following is an entry in ClinVar:

ClinVar aggregate classification (germline): Uncertain significance (1 of 4 stars; one submission).

Allele frequency attached by ClinVar (database versions not stated): TOPMed below 0.00001.

Submission:

Ambry Genetics
Classification: Uncertain significance. Last evaluated: 2023-06-05. Review status: criteria provided, single submitter. Criteria: Ambry Variant Classification Scheme 2023. Collection method: clinical testing. Allele origin: germline.
Comment: The p.L469V variant (also known as c.1405C>G), located in coding exon 9 of the POLQ gene, results from a C to G substitution at nucleotide position 1405. The leucine at codon 469 is replaced by valine, an amino acid with highly similar properties. This amino acid position is conserved. In addition, this alteration is predicted to be tolerated by in silico analysis. Since supporting evidence is limited at this time, the clinical significance of this alteration remains unclear.

NM_199420.4(POLQ):c.1405C>G (p.Leu469Val)

Gene: POLQ (DNA polymerase theta; minus strand). Cytogenetic location: 3q13.33.
Variant type: single nucleotide variant.
Coding change: c.1405C>G on transcript NM_199420.4 (MANE Select); coding-DNA position 1405, C replaced by G.
Protein change: p.Leu469Val; replaces leucine 469 with valine.
Molecular consequence: missense variant.
Genome position (GRCh38, 1-based): chr3:121,519,934, G>C on the plus strand (C>G on the coding strand, the complement: POLQ is on the minus strand). VCF-style: chr3-121519934-G-C. GRCh37 (hg19) VCF-style: chr3-121238781-G-C.
Other names: short protein forms L469V.
Identifiers: ClinVar variation 2560532 (VCV002560532.2), dbSNP rs774042514, ClinGen allele CA354119177.